The following is an entry in ClinVar:

NM_005157.6(ABL1):c.143G>C (p.Trp48Ser)

Genes: ABL1 (ABL proto-oncogene 1, non-receptor tyrosine kinase; plus strand), LOC107980440 (ABL breakpoint recombination region; plus strand). Cytogenetic location: 9q34.12.
Variant type: single nucleotide variant.
Coding change: c.143G>C on transcript NM_005157.6 (MANE Select); coding-DNA position 143, G replaced by C.
Protein change: p.Trp48Ser; replaces tryptophan 48 with serine.
Molecular consequence: missense variant.
Genome position (GRCh38, 1-based): chr9:130,854,127, G>C. VCF-style: chr9-130854127-G-C. GRCh37 (hg19) VCF-style: chr9-133729514-G-C.
Other names: c.200G>C, p.Trp67Ser (NM_007313.3); short protein forms W48S, W67S.
Identifiers: ClinVar variation 1699204 (VCV001699204.3), dbSNP rs2132956266, ClinGen allele CA375256574.

ClinVar aggregate classification (germline): Likely pathogenic (1 of 4 stars; one submission).

Conditions:
Congenital heart defects and skeletal malformations syndrome. Identifiers: Orphanet 643503, MedGen C4539857, MONDO:0060532, OMIM 617602.

Submission:

Victorian Clinical Genetics Services, Murdoch Childrens Research Institute
Classification: Likely pathogenic for Congenital heart defects and skeletal malformations syndrome. Last evaluated: 2022-06-24. Review status: criteria provided, single submitter. Criteria: ACMG Guidelines, 2015. Collection method: clinical testing. Allele origin: germline. Inheritance: Autosomal dominant inheritance. Affected: yes.
Comment: Based on the classification scheme VCGS_Germline_v1.3.4, this variant is classified as Likely pathogenic. Following criteria are met: 0101 - Gain of function is a known mechanism of disease in this gene and is associated with Congenital heart defects and skeletal malformations syndrome (MIM#617602, PMID:28288113). (I) 0107 - This gene is associated with autosomal dominant disease. (I) 0200 - Variant is predicted to result in a missense amino acid change from tryptophan to serine. (I) 0251 - This variant is heterozygous. (I) 0301 - Variant is absent from gnomAD (both v2 and v3). (SP) 0501 - Missense variant consistently predicted to be damaging by multiple in silico tools or highly conserved with a major amino acid change. (SP) 0604 - Variant is not located in an established domain, motif, hotspot or informative constraint region. (I) 0705 - No comparable missense variants have previous evidence for pathogenicity. (I) 0807 - This variant has no previous evidence of pathogenicity. (I) 0905 - No published segregation evidence has been identified for this variant. (I) 1007 - No published functional evidence has been identified for this variant. (SP) Legend: (SP) - Supporting pathogenic, (I) - Information, (SB) - Supporting benign

Literature cited by the submitters: PubMed 28288113.